The following is an entry in ClinVar:

ClinVar aggregate classification (germline): Uncertain significance (1 of 4 stars; one submission).

Submission:

Women's Health and Genetics/Laboratory Corporation of America, LabCorp
Classification: Uncertain significance. Last evaluated: 2026-03-02. Review status: criteria provided, single submitter. Criteria: LabCorp Variant Classification Summary - May 2015. Collection method: clinical testing. Allele origin: germline.
Comment: Variant summary: The variant involves the duplication of exons 1-9 in the TANGO2 gene. A presumed nomenclature of c.(?_-177)_(*2503_?)dup has been designated for the purposes of this classification. This duplication includes the entire coding sequence of the gene. As exact breakpoints are unknown, it may extend beyond the annotated region of the gene, to include other flanking genes. The duplication of the TANGO2 gene in isolation was absent in in the gnomAD database (Structural Variants datasets), allowing no conclusion about variant significance. However, a large duplication variant (size ~1.375 Mbp) which covers the TANGO2 gene (together with several other flanking genes) was found at a frequency of 0.00088 in 124360 control chromosomes in the gnomAD database (Structural Variants v4.1 dataset). In addition, another large overlapping duplication (size ~2.57 Mbp) was also reported with a somewhat lower allele frequency. These recurrent, large copy number gains seem to correspond to the known chromosome 22q11.2 microduplication syndrome that has been reported in the literature (see e.g. OMIM). To our knowledge, duplications confined to the TANGO2 gene have not been reported in the literature in individuals affected with TANGO2-related conditions, and no experimental evidence demonstrating its impact on protein function has been reported. ClinVar contains entries for similar variants (Variation IDs: 830625; 4525937). Based on the evidence outlined above, the variant was classified as uncertain significance.

NC_000022.10:g.(?_20008632)_(20054688_?)dup

Gene: TANGO2 (transport and golgi organization 2 homolog; plus strand). Cytogenetic location: 22q11.21.
Variant type: Duplication.
Identifiers: ClinVar variation 4525937 (VCV004525937.2).